The following is an entry in ClinVar:

ClinVar aggregate classification (germline): Uncertain significance (1 of 4 stars; one submission).

Submission:

Labcorp Genetics (formerly Invitae), Labcorp
Classification: Uncertain significance. Last evaluated: 2025-12-16. Review status: criteria provided, single submitter. Criteria: Invitae Variant Classification Sherloc (09022015). Collection method: clinical testing. Allele origin: germline.
Comment: This sequence change falls in intron 3 of the ARHGEF10 gene. It does not directly change the encoded amino acid sequence of the ARHGEF10 protein. This variant is not present in population databases (gnomAD no frequency). This variant has not been reported in the literature in individuals affected with ARHGEF10-related conditions. Experimental studies and prediction algorithms are not available or were not evaluated, and the effect of this variant on mRNA splicing is currently unknown. In summary, the available evidence is currently insufficient to determine the role of this variant in disease. Therefore, it has been classified as a Variant of Uncertain Significance.

NM_014629.4(ARHGEF10):c.193+51_193+52insGGTCCCCAGGTGGGTCCCCAGGTGGGTCCCCATGTGAGTCACCAGGTGAGTTCCCAGGTGAGTCCCCAGGTGAGTCCCCAGGTGGGTCCCCAGGTG

Gene: ARHGEF10 (Rho guanine nucleotide exchange factor 10; plus strand). Cytogenetic location: 8p23.3.
Variant type: Insertion.
Coding change: c.193+51_193+52insGGTCCCCAGGTGGGTCCCCAGGTGGGTCCCCATGTGAGTCACCAGGTGAGTTCCCAGGTGAGTCCCCAGGTGAGTCCCCAGGTGGGTCCCCAGGTG on transcript NM_014629.4 (MANE Select); bases 51 to 52 of the intron after coding-DNA position 193, GGTCCCCAGGTGGGTCCCCAGGTGGGTCCCCATGTGAGTCACCAGGTGAGTTCCCAGGTGAGTCCCCAGGTGAGTCCCCAGGTGGGTCCCCAGGTG inserted.
Molecular consequence: intron variant.
Genome position: GRCh38: chr8:1,858,166-1,858,167. GRCh37 (hg19): chr8:1,806,332-1,806,333.
Other names: c.193+51_193+52insGGTCCCCAGGTGGGTCCCCAGGTGGGTCCCCATGTGAGTCACCAGGTGAGTTCCCAGGTGAGTCCCCAGGTGAGTCCCCAGGTGGGTCCCCAGGTG (NM_001438092.1, NM_001438091.1, NM_001308152.2 and 3 more transcripts).
Identifiers: ClinVar variation 4699047 (VCV004699047.1).